The following is an entry in ClinVar:

ClinVar aggregate classification (germline): Uncertain significance (1 of 4 stars; one submission).

Allele frequency attached by ClinVar (database versions not stated): gnomAD exomes below 0.00001; ExAC 0.00001; gnomAD 0.00001; TOPMed 0.00002.

Submission:

Labcorp Genetics (formerly Invitae), Labcorp
Classification: Uncertain significance. Last evaluated: 2022-02-20. Review status: criteria provided, single submitter. Criteria: Invitae Variant Classification Sherloc (09022015). Collection method: clinical testing. Allele origin: germline.
Comment: This sequence change replaces arginine, which is basic and polar, with isoleucine, which is neutral and non-polar, at codon 28 of the TYRP1 protein (p.Arg28Ile). This variant is present in population databases (rs753560243, gnomAD 0.01%). This variant has not been reported in the literature in individuals affected with TYRP1-related conditions. Algorithms developed to predict the effect of missense changes on protein structure and function are either unavailable or do not agree on the potential impact of this missense change (SIFT: "Tolerated"; PolyPhen-2: "Probably Damaging"; Align-GVGD: "Class C0"). In summary, the available evidence is currently insufficient to determine the role of this variant in disease. Therefore, it has been classified as a Variant of Uncertain Significance.

NM_000550.3(TYRP1):c.83G>T (p.Arg28Ile)

Gene: TYRP1 (tyrosinase related protein 1; plus strand). Cytogenetic location: 9p23.
Variant type: single nucleotide variant.
Coding change: c.83G>T on transcript NM_000550.3 (MANE Select); coding-DNA position 83, G replaced by T.
Protein change: p.Arg28Ile; replaces arginine 28 with isoleucine.
Molecular consequence: missense variant.
Genome position (GRCh38, 1-based): chr9:12,694,079, G>T. VCF-style: chr9-12694079-G-T. GRCh37 (hg19) VCF-style: chr9-12694079-G-T.
Other names: short protein forms R28I.
Identifiers: ClinVar variation 1924484 (VCV001924484.2), dbSNP rs753560243, ClinGen allele CA4985104.